The following is an entry in ClinVar:

ClinVar aggregate classification (germline): Uncertain significance (1 of 4 stars; one submission).

Conditions:
Heterotopia, periventricular, X-linked dominant (PVNH1). Also called: PERIVENTRICULAR NODULAR HETEROTOPIA 4; HETEROTOPIA, PERIVENTRICULAR, 1; PERIVENTRICULAR NODULAR HETEROTOPIA 1; X-linked periventricular heterotopia. Identifiers: Orphanet 2149, Orphanet 82004, MedGen C1848213, MONDO:0010233, OMIM 300049.
Oto-palato-digital syndrome, type II (OPD2). Also called: Otopalatodigital Syndrome, Type II; FACIOPALATOOSSEOUS SYNDROME; OPD II SYNDROME; Otopalatodigital Syndrome Type 2 (FLNA-OPD2). Identifiers: Orphanet 669, Orphanet 90652, MedGen C1844696, MONDO:0010571, OMIM 304120.
Melnick-Needles syndrome (MNS). Also called: MELNICK-NEEDLES OSTEODYSPLASTY; OSTEODYSPLASTY OF MELNICK AND NEEDLES; Melnick-Needles Syndrome (FLNA-MNS). Identifiers: Orphanet 2484, MedGen C0025237, MONDO:0010650, OMIM 309350.
Frontometaphyseal dysplasia (FMD1). Identifiers: Orphanet 1826, MedGen C0265293, MONDO:0015942.

Submission:

Labcorp Genetics (formerly Invitae), Labcorp
Classification: Uncertain significance for Oto-palato-digital syndrome, type II; Heterotopia, periventricular, X-linked dominant; Frontometaphyseal dysplasia; Melnick-Needles syndrome. Last evaluated: 2025-08-15. Review status: criteria provided, single submitter. Criteria: Invitae Variant Classification Sherloc (09022015). Collection method: clinical testing. Allele origin: germline.
Comment: This sequence change replaces glycine, which is neutral and non-polar, with arginine, which is basic and polar, at codon 946 of the FLNA protein (p.Gly946Arg). This variant is not present in population databases (gnomAD no frequency). This variant has not been reported in the literature in individuals affected with FLNA-related conditions. Invitae Evidence Modeling of protein sequence and biophysical properties (such as structural, functional, and spatial information, amino acid conservation, physicochemical variation, residue mobility, and thermodynamic stability) indicates that this missense variant is not expected to disrupt FLNA protein function with a negative predictive value of 95%. In summary, the available evidence is currently insufficient to determine the role of this variant in disease. Therefore, it has been classified as a Variant of Uncertain Significance.

NM_001110556.2(FLNA):c.2836G>C (p.Gly946Arg)

Gene: FLNA (filamin A; minus strand). Cytogenetic location: Xq28.
Variant type: single nucleotide variant.
Coding change: c.2836G>C on transcript NM_001110556.2 (MANE Select); coding-DNA position 2836, G replaced by C.
Protein change: p.Gly946Arg; replaces glycine 946 with arginine.
Molecular consequence: missense variant.
Genome position (GRCh38, 1-based): chrX:154,361,778, C>G on the plus strand (G>C on the coding strand, the complement: FLNA is on the minus strand). VCF-style: chrX-154361778-C-G. GRCh37 (hg19) VCF-style: chrX-153590146-C-G.
Other names: c.2836G>C, p.Gly946Arg (NM_001456.4); short protein forms G946R.
Identifiers: ClinVar variation 4787717 (VCV004787717.1).